The following is an entry in ClinVar:

NM_001323289.2(CDKL5):c.1548C>T (p.Tyr516=)

Gene: CDKL5 (cyclin dependent kinase like 5; plus strand). Cytogenetic location: Xp22.13.
Variant type: single nucleotide variant.
Coding change: c.1548C>T on transcript NM_001323289.2 (MANE Select); coding-DNA position 1548, C replaced by T.
Protein change: p.Tyr516=; no amino-acid change (tyrosine 516 retained).
Molecular consequence: synonymous variant.
Genome position (GRCh38, 1-based): chrX:18,604,472, C>T. VCF-style: chrX-18604472-C-T. GRCh37 (hg19) VCF-style: chrX-18622592-C-T.
Other names: c.1548C>T, p.Tyr516= (NM_001037343.2, NM_003159.3).
Identifiers: ClinVar variation 377646 (VCV000377646.7), dbSNP rs751789670, ClinGen allele CA10360392.

ClinVar aggregate classification (germline): Benign/Likely benign. Review status: criteria provided, multiple submitters, no conflicts (2 of 4 stars). 3 submissions from 3 submitters: Benign (1); Likely benign (2). Last evaluated 2024-05-21.

Conditions:
Developmental and epileptic encephalopathy, 2 (DEE2). Also called: INFANTILE SPASM SYNDROME, X-LINKED 2; CDKL5 deficiency disorder. Identifiers: Orphanet 1934, Orphanet 3451, Orphanet 505652, MedGen C4750718, MONDO:0010396, OMIM 300672.
Angelman syndrome-like. Identifiers: MedGen CN128785.

Allele frequency attached by ClinVar (database versions not stated): TOPMed 0.00001; gnomAD exomes 0.00021 and 0.00052; gnomAD 0.00027 and 0.00029; ExAC 0.00043.
gnomAD v4.1: 263 of 1,209,935 alleles (0.022%); highest among the groups gnomAD compares: Non-Finnish European, 0.0028%; 1 homozygote.

Submissions (3):

Blueprint Genetics
Classification: Likely benign. Last evaluated: 2024-05-21. Review status: criteria provided, single submitter. Criteria: ACMG Guidelines, 2015. Collection method: clinical testing. Allele origin: germline.

Labcorp Genetics (formerly Invitae), Labcorp
Classification: Benign for Developmental and epileptic encephalopathy, 2; Angelman syndrome-like. Last evaluated: 2023-04-03. Review status: criteria provided, single submitter. Criteria: Invitae Variant Classification Sherloc (09022015). Collection method: clinical testing. Allele origin: germline.

GeneDx
Classification: Likely benign. Last evaluated: 2016-07-25. Review status: criteria provided, single submitter. Criteria: GeneDx Variant Classification (06012015). Collection method: clinical testing. Allele origin: germline. Affected: yes.
Comment: This variant is considered likely benign or benign based on one or more of the following criteria: it is a conservative change, it occurs at a poorly conserved position in the protein, it is predicted to be benign by multiple in silico algorithms, and/or has population frequency not consistent with disease.